The following is an entry in ClinVar:

ClinVar aggregate classification (germline): Uncertain significance (1 of 4 stars; one submission).

Conditions:
Hereditary cancer-predisposing syndrome. Also called: Neoplastic Syndromes, Hereditary; Tumor predisposition; Hereditary Cancer Syndrome; Hereditary neoplastic syndrome. Identifiers: Orphanet 140162, MedGen C0027672, MeSH D009386, MONDO:0015356.

Submission:

Ambry Genetics
Classification: Uncertain significance for Hereditary cancer-predisposing syndrome. Last evaluated: 2025-06-25. Review status: criteria provided, single submitter. Criteria: Ambry Variant Classification Scheme 2023. Collection method: clinical testing. Allele origin: germline.
Comment: The p.D289V variant (also known as c.866A>T), located in coding exon 7 of the SDHA gene, results from an A to T substitution at nucleotide position 866. The aspartic acid at codon 289 is replaced by valine, an amino acid with highly dissimilar properties. This amino acid position is conserved. In addition, this alteration is predicted to be deleterious by in silico analysis. Based on the available evidence, the clinical significance of this variant remains unclear.

NM_004168.4(SDHA):c.866A>T (p.Asp289Val)

Gene: SDHA (succinate dehydrogenase complex flavoprotein subunit A; plus strand). Cytogenetic location: 5p15.33.
Variant type: single nucleotide variant.
Coding change: c.866A>T on transcript NM_004168.4 (MANE Select); coding-DNA position 866, A replaced by T.
Protein change: p.Asp289Val; replaces aspartic acid 289 with valine.
Molecular consequence: missense variant.
Genome position (GRCh38, 1-based): chr5:230,971, A>T. VCF-style: chr5-230971-A-T. GRCh37 (hg19) VCF-style: chr5-231086-A-T.
Other names: c.722A>T, p.Asp241Val (NM_001294332.2); c.866A>T, p.Asp289Val (NM_001330758.2); short protein forms D241V, D289V.
Identifiers: ClinVar variation 4161184 (VCV004161184.1).